The following is an entry in ClinVar:

ClinVar aggregate classification (germline): Uncertain significance (1 of 4 stars; one submission).

Conditions:
Hereditary nonpolyposis colorectal neoplasms. Identifiers: MedGen C0009405, MeSH D003123.

Submission:

Labcorp Genetics (formerly Invitae), Labcorp
Classification: Uncertain significance for Hereditary nonpolyposis colorectal neoplasms. Last evaluated: 2020-06-01. Review status: criteria provided, single submitter. Criteria: Invitae Variant Classification Sherloc (09022015). Collection method: clinical testing. Allele origin: germline.
Comment: This sequence change replaces asparagine with aspartic acid at codon 612 of the PMS2 protein (p.Asn612Asp). The asparagine residue is weakly conserved and there is a small physicochemical difference between asparagine and aspartic acid. This variant is not present in population databases (ExAC no frequency). This variant has not been reported in the literature in individuals with PMS2-related conditions. Algorithms developed to predict the effect of missense changes on protein structure and function output the following: SIFT: "Tolerated"; PolyPhen-2: "Benign"; Align-GVGD: "Class C0". The aspartic acid amino acid residue is found in multiple mammalian species, suggesting that this missense change does not adversely affect protein function. These predictions have not been confirmed by published functional studies and their clinical significance is uncertain. In summary, the available evidence is currently insufficient to determine the role of this variant in disease. Therefore, it has been classified as a Variant of Uncertain Significance.

NM_000535.7(PMS2):c.1834A>G (p.Asn612Asp)

Gene: PMS2 (PMS1 homolog 2, mismatch repair system component; minus strand). Cytogenetic location: 7p22.1.
Variant type: single nucleotide variant.
Coding change: c.1834A>G on transcript NM_000535.7 (MANE Select); coding-DNA position 1834, A replaced by G.
Protein change: p.Asn612Asp; replaces asparagine 612 with aspartic acid.
Molecular consequence: missense variant. On other transcripts: non-coding transcript variant (1).
Genome position (GRCh38, 1-based): chr7:5,986,931, T>C on the plus strand (A>G on the coding strand, the complement: PMS2 is on the minus strand). VCF-style: chr7-5986931-T-C. GRCh37 (hg19) VCF-style: chr7-6026562-T-C.
Other names: c.1429A>G, p.Asn477Asp (NM_001322003.2, NM_001322004.2, NM_001322005.2 and 1 more transcripts); c.1678A>G, p.Asn560Asp (NM_001322006.2); c.1516A>G, p.Asn506Asp (NM_001322007.2, NM_001322008.2); c.1273A>G, p.Asn425Asp (NM_001322010.2); c.901A>G, p.Asn301Asp (NM_001322011.2, NM_001322012.2); c.1261A>G, p.Asn421Asp (NM_001322013.2); c.1834A>G, p.Asn612Asp (NM_001322014.2); c.1525A>G, p.Asn509Asp (NM_001322015.2); short protein forms N560D, N477D, N301D, N506D, N509D, N612D, N421D, N425D.
Identifiers: ClinVar variation 859731 (VCV000859731.9), dbSNP rs1782966310, ClinGen allele CA366739668.
Genomic context (GRCh38, chr7:5,986,931, plus strand): 5'-ACTGCTTTATTCGTTTAGCTAAAGAACTCATAGAAAAGTCCAGGGGCACAACTTTCTTAT[T>C]AATTTTCACAGCTACATCAACCTGAGAGGCTGACATGTCCTGAGTATTTACTAACTTTTG-3'
Protein context (NP_000526.2, residues 602-622): ASQVDVAVKI[Asn612Asp]KKVVPLDFSM